The following is an entry in ClinVar:

NM_018076.5(ODAD2):c.2496-13G>A

Gene: ODAD2 (outer dynein arm docking complex subunit 2; minus strand). Cytogenetic location: 10p12.1.
Variant type: single nucleotide variant.
Coding change: c.2496-13G>A on transcript NM_018076.5 (MANE Select); 13 bases into the intron before coding-DNA position 2496, G replaced by A.
Molecular consequence: intron variant.
Genome position (GRCh38, 1-based): chr10:27,907,790, C>T on the plus strand (G>A on the coding strand, the complement: ODAD2 is on the minus strand). VCF-style: chr10-27907790-C-T. GRCh37 (hg19) VCF-style: chr10-28196719-C-T.
Other names: c.2496-13G>A (NM_001290020.2); c.1572-13G>A (NM_001312689.2); c.1071-13G>A (NM_001290021.2).
Identifiers: ClinVar variation 2024507 (VCV002024507.1), dbSNP rs377545802, ClinGen allele CA5453185.

ClinVar aggregate classification (germline): Uncertain significance (1 of 4 stars; one submission).

Conditions:
Primary ciliary dyskinesia 23 (CILD23). Also called: CILIARY DYSKINESIA, PRIMARY, 23, WITH OR WITHOUT SITUS INVERSUS. Identifiers: Orphanet 244, MedGen C3809548, MONDO:0014193, OMIM 615451.

Allele frequency attached by ClinVar (database versions not stated): gnomAD 0.00005.
gnomAD v4.1: 18 of 1,554,870 alleles (0.0012%); highest among the groups gnomAD compares: African/African-American, 0.019%; no homozygotes.

Submission:

Labcorp Genetics (formerly Invitae), Labcorp
Classification: Uncertain significance for Primary ciliary dyskinesia 23. Last evaluated: 2022-05-03. Review status: criteria provided, single submitter. Criteria: Invitae Variant Classification Sherloc (09022015). Collection method: clinical testing. Allele origin: germline.
Comment: This sequence change falls in intron 16 of the ARMC4 gene. It does not directly change the encoded amino acid sequence of the ARMC4 protein. This variant is present in population databases (rs377545802, gnomAD 0.03%). This variant has not been reported in the literature in individuals affected with ARMC4-related conditions. Algorithms developed to predict the effect of sequence changes on RNA splicing suggest that this variant may disrupt the consensus splice site. In summary, the available evidence is currently insufficient to determine the role of this variant in disease. Therefore, it has been classified as a Variant of Uncertain Significance.